The following is an entry in ClinVar:

ClinVar aggregate classification (germline): Likely pathogenic (1 of 4 stars; one submission).

Conditions:
Angelman syndrome (AS). Also called: HAPPY PUPPET SYNDROME. Identifiers: Orphanet 72, MedGen C0162635, MONDO:0007113, OMIM 105830. Disease mechanism: loss of function. Inheritance: imprinting disorder, AS is caused by disruption of maternally imprinted UBE3A located within the 15q11.2-q13 Angelman syndrome/Prader-Willi syndrome (AS/PWS) region..

Submission:

Juno Genomics, Hangzhou Juno Genomics, Inc
Classification: Likely pathogenic for Angelman syndrome. Review status: criteria provided, single submitter. Criteria: ACMG Guidelines, 2015. Collection method: clinical testing. Allele origin: germline. Affected: yes.
Comment: Absent from controls (or at extremely low frequency if recessive) in Genome Aggregation Database, Exome Sequencing Project, 1000 Genomes Project, or Exome Aggregation Consortium.;Protein length changes due to in-frame deletions/insertions in a non-repeat region or stop-loss variants.;De novo (both maternity and paternity confirmed) in a patient with the disease and no family history.

NM_130839.5(UBE3A):c.1568_1573del (p.Lys523_Val524del)

Genes: SNHG14 (small nucleolar RNA host gene 14; plus strand), UBE3A (ubiquitin protein ligase E3A; minus strand). Cytogenetic location: 15q11.2.
Variant type: Deletion.
Coding change: c.1568_1573del on transcript NM_130839.5 (MANE Select); coding-DNA positions 1568 to 1573, 6 bases deleted (AAGTTA; older notation c.1568_1573delAAGTTA).
Protein change: p.Lys523_Val524del.
Molecular consequence: inframe deletion. On other transcripts: non-coding transcript variant (1), intron variant (2).
Genome position (GRCh38, 1-based): chr15:25,370,601-25,370,606, TAACTT deleted on the plus strand (AAGTTA on the coding strand, the reverse complement: UBE3A is on the minus strand); deleting any 6 consecutive bases within chr15:25,370,601-25,370,607 gives the same sequence; the c. name uses the placement nearest the transcript's 3' end. VCF-style (leftmost placement, unchanged base first): chr15-25370600-CTAACTT-C. GRCh37 (hg19) VCF-style: chr15-25615747-CTAACTT-C.
Other names: c.1577_1582del, p.Lys526_Val527del (NM_000462.5); c.1568_1573del, p.Lys523_Val524del (NM_001354505.1, NM_001354538.2, NM_001354545.2); c.1508_1513del, p.Lys503_Val504del (NM_001354506.2, NM_001354507.2, NM_001354508.2 and 17 more transcripts); c.1391_1396del, p.Lys464_Val465del (NM_001354546.2); c.301+4859_301+4864del (NM_001354551.2); c.361+4859_361+4864del (NM_001354550.2).
Identifiers: ClinVar variation 4796552 (VCV004796552.1).